The following is an entry in ClinVar:

ClinVar aggregate classification (germline): Uncertain significance (1 of 4 stars; one submission).

Submission:

GeneDx
Classification: Uncertain significance. Last evaluated: 2022-01-07. Review status: criteria provided, single submitter. Criteria: GeneDx Variant Classification Process June 2021. Collection method: clinical testing. Allele origin: germline. Affected: yes.
Comment: Not observed at significant frequency in large population cohorts (gnomAD); In-frame deletion of 1 amino acid in a non-repeat region; In silico analysis supports a deleterious effect on protein structure/function; Has not been previously published as pathogenic or benign to our knowledge

NM_004977.3(KCNC3):c.1135AGC[1] (p.Ser380del)

Gene: KCNC3 (potassium voltage-gated channel subfamily C member 3; minus strand). Cytogenetic location: 19q13.33.
Variant type: Microsatellite.
Coding change: c.1135AGC[1] on transcript NM_004977.3 (MANE Select); one copy of the 3-base unit AGC starting at c.1135; the reference has two copies in a row; one copy, 3 bases deleted.
Protein change: p.Ser380del; deletes serine 380.
Molecular consequence: inframe deletion.
Genome position (GRCh38, 1-based): chr19:50,323,813-50,323,815, GCT deleted on the plus strand (AGC on the coding strand, the reverse complement: KCNC3 is on the minus strand); deleting any 3 consecutive bases within chr19:50,323,813-50,323,818 gives the same sequence; the position shown is the placement nearest the transcript's 3' end. VCF-style (leftmost placement, unchanged base first): chr19-50323812-GGCT-G. GRCh37 (hg19) VCF-style: chr19-50827069-GGCT-G.
Other names: c.907AGC[1], p.Ser304del (NM_001372305.1); short protein forms S304del, S380del.
Identifiers: ClinVar variation 1695697 (VCV001695697.2), dbSNP rs2123535277, ClinGen allele CA2580614945.